The following is an entry in ClinVar:

ClinVar aggregate classification (germline): Uncertain significance (1 of 4 stars; one submission).

Conditions:
Familial melanoma. Also called: Hereditary melanoma; Hereditary cutaneous melanoma. Identifiers: Orphanet 618, MedGen C1512419, MONDO:0018961.

Submission:

Labcorp Genetics (formerly Invitae), Labcorp
Classification: Uncertain significance for Familial melanoma. Last evaluated: 2020-12-15. Review status: criteria provided, single submitter. Criteria: Invitae Variant Classification Sherloc (09022015). Collection method: clinical testing. Allele origin: germline.
Comment: In summary, the available evidence is currently insufficient to determine the role of this variant in disease. Therefore, it has been classified as a Variant of Uncertain Significance. Experimental studies and prediction algorithms are not available or were not evaluated, and the functional significance of this variant is currently unknown. This variant has not been reported in the literature in individuals with CDK4-related conditions. This variant is not present in population databases (ExAC no frequency). This sequence change creates a premature translational stop signal (p.Tyr294Thrfs*2) in the CDK4 gene. While this is not anticipated to result in nonsense mediated decay, it is expected to disrupt the last 10 amino acid(s) of the CDK4 protein.

NM_000075.4(CDK4):c.880_884del (p.Tyr294fs)

Genes: CDK4 (cyclin dependent kinase 4; minus strand), TSPAN31 (tetraspanin 31; plus strand). Cytogenetic location: 12q14.1.
Variant type: Deletion.
Coding change: c.880_884del on transcript NM_000075.4 (MANE Select); coding-DNA positions 880 to 884, 5 bases deleted (TATCT; older notation c.880_884delTATCT).
Protein change: p.Tyr294fs; shifts the reading frame from tyrosine 294.
Molecular consequence: frameshift variant. On other transcripts: 3 prime UTR variant (3).
Genome position (GRCh38, 1-based): chr12:57,748,553-57,748,557, AGATA deleted on the plus strand (TATCT on the coding strand, the reverse complement: CDK4 is on the minus strand); deleting any 5 consecutive bases within chr12:57,748,553-57,748,560 gives the same sequence; the c. name uses the placement nearest the transcript's 3' end. VCF-style (leftmost placement, unchanged base first): chr12-57748552-TAGATA-T. GRCh37 (hg19) VCF-style: chr12-58142335-TAGATA-T.
Other names: c.*1266_*1270del (NM_001330168.2, NM_001330169.2, NM_005981.5); short protein forms Y294fs.
Identifiers: ClinVar variation 1493841 (VCV001493841.6), dbSNP rs2140381054, ClinGen allele CA2573148879.